The following is an entry in ClinVar:

ClinVar aggregate classification (germline): Uncertain significance (1 of 4 stars; one submission).

Conditions:
RASopathy. Also called: rasopathies; Noonan spectrum disorder. Identifiers: Orphanet 536391, MedGen C5555857, MONDO:0021060.

Submission:

Labcorp Genetics (formerly Invitae), Labcorp
Classification: Uncertain significance for RASopathy. Last evaluated: 2022-01-05. Review status: criteria provided, single submitter. Criteria: Invitae Variant Classification Sherloc (09022015). Collection method: clinical testing. Allele origin: germline.
Comment: In summary, the available evidence is currently insufficient to determine the role of this variant in disease. Therefore, it has been classified as a Variant of Uncertain Significance. Experimental studies and prediction algorithms are not available or were not evaluated, and the functional significance of this variant is currently unknown. This variant has not been reported in the literature in individuals affected with BRAF-related conditions. This variant is not present in population databases (gnomAD no frequency). This sequence change creates a premature translational stop signal (p.Met693Ilefs*42) in the BRAF gene. While this is not anticipated to result in nonsense mediated decay, it is expected to disrupt the last 74 amino acid(s) of the BRAF protein.

NM_004333.6(BRAF):c.2077_2078dup (p.Met693fs)

Gene: BRAF (B-Raf proto-oncogene, serine/threonine kinase; minus strand). Cytogenetic location: 7q34.
Variant type: Duplication.
Coding change: c.2077_2078dup on transcript NM_004333.6 (MANE Select); coding-DNA positions 2077 to 2078, 2 bases duplicated (AT; older notation c.2077_2078dupAT).
Protein change: p.Met693fs; shifts the reading frame from methionine 693.
Molecular consequence: frameshift variant.
Genome position (GRCh38, 1-based): chr7:140,739,861-140,739,862, AT duplicated on the plus strand (AT on the coding strand, the reverse complement: BRAF is on the minus strand). VCF-style (leftmost placement, unchanged base first): chr7-140739860-C-CAT. GRCh37 (hg19) VCF-style: chr7-140439660-C-CAT.
Other names: c.2077_2078dup, p.Met693fs (NM_001354609.2, NM_001378468.1, NM_001378474.1); c.2197_2198dup, p.Met733fs (NM_001374244.1, NM_001374258.1); c.2086_2087dup, p.Met696fs (NM_001378467.1); c.2011_2012dup, p.Met671fs (NM_001378469.1); c.1975_1976dup, p.Met659fs (NM_001378470.1); c.1966_1967dup, p.Met656fs (NM_001378471.1); c.1921_1922dup, p.Met641fs (NM_001378472.1, NM_001378473.1); c.1813_1814dup, p.Met605fs (NM_001378475.1); short protein forms M641fs, M733fs, M656fs, M659fs, M605fs, M671fs, M693fs, M696fs.
Identifiers: ClinVar variation 2075172 (VCV002075172.4), dbSNP rs2535924212, ClinGen allele CA2580077645.